The following is an entry in ClinVar:

NM_005654.6(NR2F1):c.335G>C (p.Arg112Thr)

Genes: NR2F1 (nuclear receptor subfamily 2 group F member 1; plus strand), NR2F1-AS1 (NR2F1 regulatory antisense RNA 1; minus strand). Cytogenetic location: 5q15.
Variant type: single nucleotide variant.
Coding change: c.335G>C on transcript NM_005654.6 (MANE Select); coding-DNA position 335, G replaced by C.
Protein change: p.Arg112Thr; replaces arginine 112 with threonine.
Molecular consequence: missense variant.
Genome position (GRCh38, 1-based): chr5:93,585,358, G>C. VCF-style: chr5-93585358-G-C. GRCh37 (hg19) VCF-style: chr5-92921064-G-C.
Other names: short protein forms R112T.
Identifiers: ClinVar variation 1711605 (VCV001711605.30), dbSNP rs587777277, ClinGen allele CA360526051.
Genomic context (GRCh38, chr5:93,585,358, plus strand): 5'-AGTCGAGCGGCAAGCACTACGGCCAATTCACCTGCGAGGGCTGCAAAAGTTTCTTCAAGA[G>C]GAGCGTCCGCAGGAACTTAACTTACACATGCCGTGCCAACAGGAACTGTCCCATCGACCA-3'
Protein context (NP_005645.1, residues 102-122): TCEGCKSFFK[Arg112Thr]SVRRNLTYTC

ClinVar aggregate classification (germline): Likely pathogenic (1 of 4 stars; one submission).

Submission:

CeGaT Center for Human Genetics Tuebingen
Classification: Likely pathogenic. Last evaluated: 2022-09-01. Review status: criteria provided, single submitter. Criteria: CeGaT Center For Human Genetics Tuebingen Variant Classification Criteria Version 2. Collection method: clinical testing. Allele origin: germline. Affected: yes. Observed: 1 variant allele.
Comment: NR2F1: PM2, PM5, PP2, PP3, PP4